The following is an entry in ClinVar:

NM_022437.3(ABCG8):c.551G>C (p.Arg184Pro)

Gene: ABCG8 (ATP binding cassette subfamily G member 8; plus strand). Cytogenetic location: 2p21.
Variant type: single nucleotide variant.
Coding change: c.551G>C on transcript NM_022437.3 (MANE Select); coding-DNA position 551, G replaced by C.
Protein change: p.Arg184Pro; replaces arginine 184 with proline.
Molecular consequence: missense variant.
Genome position (GRCh38, 1-based): chr2:43,851,812, G>C. VCF-style: chr2-43851812-G-C. GRCh37 (hg19) VCF-style: chr2-44078951-G-C.
Other names: c.551G>C, p.Arg184Pro (NM_001357321.2); short protein forms R184P.
Identifiers: ClinVar variation 1748078 (VCV001748078.2), dbSNP rs766212636, ClinGen allele CA346665601.

ClinVar aggregate classification (germline): Uncertain significance (1 of 4 stars; one submission).

Conditions:
Cardiovascular phenotype. Identifiers: MedGen CN230736.

gnomAD v4.1: 8 of 1,614,176 alleles (0.0005%); highest among the groups gnomAD compares: Non-Finnish European, 0.00059%; no homozygotes.

Submission:

Ambry Genetics
Classification: Uncertain significance for Cardiovascular phenotype. Last evaluated: 2022-08-30. Review status: criteria provided, single submitter. Criteria: Ambry Variant Classification Scheme 2023. Collection method: clinical testing. Allele origin: germline.
Comment: The p.R184P variant (also known as c.551G>C), located in coding exon 4 of the ABCG8 gene, results from a G to C substitution at nucleotide position 551. The arginine at codon 184 is replaced by proline, an amino acid with dissimilar properties. This amino acid position is conserved. In addition, the in silico prediction for this alteration is inconclusive. Since supporting evidence is limited at this time, the clinical significance of this alteration remains unclear.